The following is an entry in ClinVar:

NM_014675.5(CROCC):c.884G>T (p.Arg295Leu)

Gene: CROCC (ciliary rootlet coiled-coil, rootletin; plus strand). Cytogenetic location: 1p36.13.
Variant type: single nucleotide variant.
Coding change: c.884G>T on transcript NM_014675.5 (MANE Select); coding-DNA position 884, G replaced by T.
Protein change: p.Arg295Leu; replaces arginine 295 with leucine.
Molecular consequence: missense variant.
Genome position (GRCh38, 1-based): chr1:16,931,325, G>T. VCF-style: chr1-16931325-G-T. GRCh37 (hg19) VCF-style: chr1-17257820-G-T.
Other names: short protein forms R295L.
Identifiers: ClinVar variation 4872148 (VCV004872148.2).

ClinVar aggregate classification (germline): Likely benign (1 of 4 stars; one submission).

gnomAD v4.1: 3,676 of 1,612,190 alleles (0.23%); highest among the groups gnomAD compares: Non-Finnish European, 0.28%; 3 homozygotes.

Submission:

CeGaT Center for Human Genetics Tuebingen
Classification: Likely benign. Last evaluated: 2026-04-01. Review status: criteria provided, single submitter. Criteria: CeGaT Center For Human Genetics Tuebingen Variant Classification Criteria Version 2. Collection method: clinical testing. Allele origin: germline. Affected: yes. Observed: 1 variant allele.
Comment: CROCC: BP4, BS1